The following is an entry in ClinVar:

NM_003002.4(SDHD):c.266C>G (p.Ser89Cys)

Gene: SDHD (succinate dehydrogenase complex subunit D; plus strand). Cytogenetic location: 11q23.1.
Variant type: single nucleotide variant.
Coding change: c.266C>G on transcript NM_003002.4 (MANE Select); coding-DNA position 266, C replaced by G.
Protein change: p.Ser89Cys; replaces serine 89 with cysteine.
Molecular consequence: missense variant. On other transcripts: non-coding transcript variant (1), intron variant (1).
Genome position (GRCh38, 1-based): chr11:112,088,963, C>G. VCF-style: chr11-112088963-C-G. GRCh37 (hg19) VCF-style: chr11-111959687-C-G.
Other names: c.149C>G, p.Ser50Cys (NM_001276504.2); c.266C>G, p.Ser89Cys (NM_001276506.2); c.169+990C>G (NM_001276503.2); short protein forms S89C, S50C.
Identifiers: ClinVar variation 4792917 (VCV004792917.1).

ClinVar aggregate classification (germline): Uncertain significance (1 of 4 stars; one submission).

Conditions:
Pheochromocytoma. Also called: MAX-Related Hereditary Paraganglioma-Pheochromocytoma Syndrome. Identifiers: Orphanet 29072, MedGen C0031511, MONDO:0008233, OMIM 171300, HP:0002666.
Carney-Stratakis syndrome. Also called: PARAGANGLIOMA AND GASTROINTESTINAL STROMAL TUMOR. Identifiers: Orphanet 97286, MedGen C1847319, MONDO:0011740, OMIM 606864.
Paragangliomas with sensorineural hearing loss. Identifiers: MedGen C1868633.
Cowden syndrome 3 (CWS3). Identifiers: Orphanet 201, MedGen CN166604, MONDO:0014045.

Submission:

Labcorp Genetics (formerly Invitae), Labcorp
Classification: Uncertain significance for Carney-Stratakis syndrome; Paragangliomas with sensorineural hearing loss; Pheochromocytoma; Cowden syndrome 3. Last evaluated: 2025-12-28. Review status: criteria provided, single submitter. Criteria: Invitae Variant Classification Sherloc (09022015). Collection method: clinical testing. Allele origin: germline.
Comment: This sequence change replaces serine, which is neutral and polar, with cysteine, which is neutral and slightly polar, at codon 89 of the SDHD protein (p.Ser89Cys). This variant is not present in population databases (gnomAD no frequency). This variant has not been reported in the literature in individuals affected with SDHD-related conditions. Invitae Evidence Modeling of protein sequence and biophysical properties (such as structural, functional, and spatial information, amino acid conservation, physicochemical variation, residue mobility, and thermodynamic stability) indicates that this missense variant is not expected to disrupt SDHD protein function with a negative predictive value of 80%. In summary, the available evidence is currently insufficient to determine the role of this variant in disease. Therefore, it has been classified as a Variant of Uncertain Significance.